The following is an entry in ClinVar:

ClinVar aggregate classification (germline): Uncertain significance. Review status: criteria provided, multiple submitters, no conflicts (2 of 4 stars). 2 submissions from 2 submitters: Uncertain significance (2). Last evaluated 2024-10-20.

Conditions:
Hereditary cancer-predisposing syndrome. Also called: Hereditary Cancer Syndrome; Tumor predisposition; Hereditary neoplastic syndrome; Neoplastic Syndromes, Hereditary. Identifiers: Orphanet 140162, MedGen C0027672, MeSH D009386, MONDO:0015356.

gnomAD v4.1: 1 of 1,614,092 alleles (0.000062%); highest among the groups gnomAD compares: Non-Finnish European, 0.000085%; no homozygotes.

Submissions (2):

Labcorp Genetics (formerly Invitae), Labcorp
Classification: Uncertain significance. Last evaluated: 2024-10-20. Review status: criteria provided, single submitter. Criteria: Invitae Variant Classification Sherloc (09022015). Collection method: clinical testing. Allele origin: germline.
Comment: This sequence change replaces valine, which is neutral and non-polar, with leucine, which is neutral and non-polar, at codon 174 of the POLE protein (p.Val174Leu). This variant is not present in population databases (gnomAD no frequency). This variant has not been reported in the literature in individuals affected with POLE-related conditions. ClinVar contains an entry for this variant (Variation ID: 1417712). Invitae Evidence Modeling of protein sequence and biophysical properties (such as structural, functional, and spatial information, amino acid conservation, physicochemical variation, residue mobility, and thermodynamic stability) indicates that this missense variant is not expected to disrupt POLE protein function with a negative predictive value of 80%. In summary, the available evidence is currently insufficient to determine the role of this variant in disease. Therefore, it has been classified as a Variant of Uncertain Significance.

Ambry Genetics
Classification: Uncertain significance for Hereditary cancer-predisposing syndrome. Last evaluated: 2024-10-06. Review status: criteria provided, single submitter. Criteria: Ambry Variant Classification Scheme 2023. Collection method: clinical testing. Allele origin: germline.
Comment: The p.V174L variant (also known as c.520G>T), located in coding exon 6 of the POLE gene, results from a G to T substitution at nucleotide position 520. The valine at codon 174 is replaced by leucine, an amino acid with highly similar properties. This amino acid position is conserved. In addition, this alteration is predicted to be tolerated by in silico analysis. Based on the available evidence, the clinical significance of this variant remains unclear.

NM_006231.4(POLE):c.520G>T (p.Val174Leu)

Gene: POLE (DNA polymerase epsilon, catalytic subunit; minus strand). Cytogenetic location: 12q24.33.
Variant type: single nucleotide variant.
Coding change: c.520G>T on transcript NM_006231.4 (MANE Select); coding-DNA position 520, G replaced by T.
Protein change: p.Val174Leu; replaces valine 174 with leucine.
Molecular consequence: missense variant.
Genome position (GRCh38, 1-based): chr12:132,679,555, C>A on the plus strand (G>T on the coding strand, the complement: POLE is on the minus strand). VCF-style: chr12-132679555-C-A. GRCh37 (hg19) VCF-style: chr12-133256141-C-A.
Other names: c.520G>T (NM_006231.2); short protein forms V174L.
Identifiers: ClinVar variation 1417712 (VCV001417712.9), dbSNP rs1250780418, ClinGen allele CA387367025.
Genomic context (GRCh38, chr12:132,679,555, plus strand): 5'-ACCTGGAAAGCAGAGCTGTGTACGCGTCGCTGGCGTGATCCTGCTCCCTGTTCTTCTTCA[C>A]GGCAGGGGAGATCTCCTTCCTCACTTTGACAAGATCCTCCACAGTGTGGAAGGACAGCCT-3'
Protein context (NP_006222.2, residues 164-184): VKVRKEISPA[Val174Leu]KKNREQDHAS